The following is an entry in ClinVar:

NM_006231.4(POLE):c.4759G>A (p.Val1587Ile)

Gene: POLE (DNA polymerase epsilon, catalytic subunit; minus strand). Cytogenetic location: 12q24.33.
Variant type: single nucleotide variant.
Coding change: c.4759G>A on transcript NM_006231.4 (MANE Select); coding-DNA position 4759, G replaced by A.
Protein change: p.Val1587Ile; replaces valine 1587 with isoleucine.
Molecular consequence: missense variant.
Genome position (GRCh38, 1-based): chr12:132,642,699, C>T on the plus strand (G>A on the coding strand, the complement: POLE is on the minus strand). VCF-style: chr12-132642699-C-T. GRCh37 (hg19) VCF-style: chr12-133219285-C-T.
Other names: short protein forms V1587I.
Identifiers: ClinVar variation 473692 (VCV000473692.21), dbSNP rs372388555, ClinGen allele CA6892717.

ClinVar aggregate classification (germline): Conflicting classifications of pathogenicity. Review status: criteria provided, conflicting classifications (1 of 4 stars). 6 submissions from 6 submitters: Uncertain significance (4); Likely benign (1). 1 of the submissions does not count toward it. Last evaluated 2026-01-20.

Conditions:
Facial dysmorphism-immunodeficiency-livedo-short stature syndrome. Also called: Facial dysmorphism, immunodeficiency, livedo, and short stature; FILS syndrome. Identifiers: Orphanet 352712, MedGen C3554576, MONDO:0014058, OMIM 615139.
Colorectal cancer, susceptibility to, 12 (CRCS12). Also called: COLORECTAL CANCER, SUSCEPTIBILITY TO, ON CHROMOSOME 12q24. Identifiers: Orphanet 220460, MedGen C3554460, MONDO:0014038, OMIM 615083.
Hereditary cancer-predisposing syndrome. Also called: Neoplastic Syndromes, Hereditary; Tumor predisposition; Hereditary Cancer Syndrome; Hereditary neoplastic syndrome. Identifiers: Orphanet 140162, MedGen C0027672, MeSH D009386, MONDO:0015356.
POLE-related disorder. Also called: POLE-related disorders; POLE-related condition.

Allele frequency attached by ClinVar (database versions not stated): ExAC 0.00002; gnomAD exomes 0.00002; ESP Exome Variant Server 0.00008; TOPMed 0.00008.
gnomAD v4.1: 29 of 1,613,692 alleles (0.0018%); highest among the groups gnomAD compares: African/African-American, 0.033%; no homozygotes.

Submissions (6):

Labcorp Genetics (formerly Invitae), Labcorp
Classification: Uncertain significance. Last evaluated: 2026-01-20. Review status: criteria provided, single submitter. Criteria: Invitae Variant Classification Sherloc (09022015). Collection method: clinical testing. Allele origin: germline.
Comment: This sequence change replaces valine, which is neutral and non-polar, with isoleucine, which is neutral and non-polar, at codon 1587 of the POLE protein (p.Val1587Ile). This variant is present in population databases (rs372388555, gnomAD 0.02%). This variant has not been reported in the literature in individuals affected with POLE-related conditions. ClinVar contains an entry for this variant (Variation ID: 473692). Invitae Evidence Modeling of protein sequence and biophysical properties (such as structural, functional, and spatial information, amino acid conservation, physicochemical variation, residue mobility, and thermodynamic stability) indicates that this missense variant is not expected to disrupt POLE protein function with a negative predictive value of 80%. In summary, the available evidence is currently insufficient to determine the role of this variant in disease. Therefore, it has been classified as a Variant of Uncertain Significance.

Ambry Genetics
Classification: Likely benign for Hereditary cancer-predisposing syndrome. Last evaluated: 2024-12-09. Review status: criteria provided, single submitter. Criteria: Ambry Variant Classification Scheme 2023. Collection method: clinical testing. Allele origin: germline.

GeneDx
Classification: Uncertain significance. Last evaluated: 2023-10-23. Review status: criteria provided, single submitter. Criteria: GeneDx Variant Classification Process June 2021. Collection method: clinical testing. Allele origin: germline. Affected: yes.
Comment: In silico analysis supports that this missense variant does not alter protein structure/function; Has not been previously published as pathogenic or benign to our knowledge

KCCC/NGS Laboratory, Kuwait Cancer Control Center
Classification: Uncertain significance for Colorectal cancer, susceptibility to, 12. Last evaluated: 2023-07-07. Review status: criteria provided, single submitter. Criteria: ACMG Guidelines, 2015. Collection method: clinical testing. Allele origin: unknown. Affected: yes.
Comment: A missense mutation was detected in the POLE gene in this specimen. This sequence change replaces valine with isoleucine at codon 1587 of the POLE protein (p.Val1587Ile). The valine residue is This variant is present in population databases (rs372388555, ExAC 0.02%). This variant has not been reported in the literature in individuals with POLE-related disease. ClinVar contains two entries for this variant both of which are listed as variant of unknown significance. Algorithms developed to predict the effect of missense changes on protein structure and function output the following: SIFT: "Tolerated"; PolyPhen-2: "Benign"; Align-GVGD: "Class C0". The isoleucine amino acid residue is found in multiple mammalian species, suggesting that this missense change does not adversely affect protein function. These predictions have not been confirmed by published functional studies and their clinical significance is uncertain. In summary, the available evidence is currently insufficient to determine the role of this variant in disease. Therefore, it has been classified as a Variant of Uncertain Significance.

Fulgent Genetics
Classification: Uncertain significance for Colorectal cancer, susceptibility to, 12; Facial dysmorphism-immunodeficiency-livedo-short stature syndrome. Last evaluated: 2018-10-31. Review status: criteria provided, single submitter. Criteria: ACMG Guidelines, 2015. Collection method: clinical testing. Allele origin: unknown.

PreventionGenetics, part of Exact Sciences
Classification: Uncertain significance for POLE-related condition. Last evaluated: 2024-06-05. Review status: no assertion criteria provided. Collection method: clinical testing. Allele origin: germline. Not counted in ClinVar's aggregate classification.
Comment: The POLE c.4759G>A variant is predicted to result in the amino acid substitution p.Val1587Ile. To our knowledge, this variant has not been reported in the literature. This variant is reported in 0.016% of alleles in individuals of African descent in gnomAD and has been reported in ClinVar as uncertain. At this time, the clinical significance of this variant is uncertain due to the absence of conclusive functional and genetic evidence.